The following is an entry in ClinVar:

NM_001854.4(COL11A1):c.2241G>T (p.Leu747=)

Gene: COL11A1 (collagen type XI alpha 1 chain; minus strand). Cytogenetic location: 1p21.1.
Variant type: single nucleotide variant.
Coding change: c.2241G>T on transcript NM_001854.4 (MANE Select); coding-DNA position 2241, G replaced by T.
Protein change: p.Leu747=; no amino-acid change (leucine 747 retained).
Molecular consequence: synonymous variant. On other transcripts: non-coding transcript variant (1).
Genome position (GRCh38, 1-based): chr1:102,997,080, C>A on the plus strand (G>T on the coding strand, the complement: COL11A1 is on the minus strand). VCF-style: chr1-102997080-C-A. GRCh37 (hg19) VCF-style: chr1-103462636-C-A.
Other names: c.2124G>T, p.Leu708= (NM_001190709.2); c.2277G>T, p.Leu759= (NM_080629.3); c.1893G>T, p.Leu631= (NM_080630.4).
Identifiers: ClinVar variation 1356323 (VCV001356323.6), dbSNP rs2101800693, ClinGen allele CA419205523.

ClinVar aggregate classification (germline): Uncertain significance (1 of 4 stars; one submission).

Submission:

Labcorp Genetics (formerly Invitae), Labcorp
Classification: Uncertain significance. Last evaluated: 2021-09-17. Review status: criteria provided, single submitter. Criteria: Invitae Variant Classification Sherloc (09022015). Collection method: clinical testing. Allele origin: germline.
Comment: In summary, the available evidence is currently insufficient to determine the role of this variant in disease. Therefore, it has been classified as a Variant of Uncertain Significance. Variants that disrupt the consensus splice site are a relatively common cause of aberrant splicing (PMID: 17576681, 9536098). Algorithms developed to predict the effect of sequence changes on RNA splicing suggest that this variant may disrupt the consensus splice site. This variant has been observed in individual(s) with clinical features of COL11A1-related conditions (Invitae). It has also been observed to segregate with disease in related individuals. This variant is not present in population databases (ExAC no frequency). This sequence change affects codon 747 of the COL11A1 mRNA. It is a 'silent' change, meaning that it does not change the encoded amino acid sequence of the COL11A1 protein. This variant also falls at the last nucleotide of exon 26, which is part of the consensus splice site for this exon.

Literature cited by the submitters: PubMed 17576681; PubMed 9536098.